The following is an entry in ClinVar:

NM_000814.6(GABRB3):c.462-6T>A

Gene: GABRB3 (gamma-aminobutyric acid type A receptor subunit beta3; minus strand). Cytogenetic location: 15q12.
Variant type: single nucleotide variant.
Coding change: c.462-6T>A on transcript NM_000814.6 (MANE Select); 6 bases into the intron before coding-DNA position 462, T replaced by A.
Molecular consequence: intron variant.
Genome position (GRCh38, 1-based): chr15:26,583,420, A>T on the plus strand (T>A on the coding strand, the complement: GABRB3 is on the minus strand). VCF-style: chr15-26583420-A-T. GRCh37 (hg19) VCF-style: chr15-26828567-A-T.
Other names: c.462-6T>A (NM_021912.5); c.207-6T>A (NM_001278631.2, NM_001191320.2); c.249-6T>A (NM_001191321.3).
Identifiers: ClinVar variation 2948994 (VCV002948994.3), dbSNP rs2504213645, ClinGen allele CA2740097235.

ClinVar aggregate classification (germline): Uncertain significance (1 of 4 stars; one submission).

Conditions:
Epilepsy, childhood absence, susceptibility to, 1. Also called: Epilepsy, childhood absence 1. Identifiers: Orphanet 64280, MedGen C1838604, MONDO:0020759, OMIM 600131.
Epilepsy, childhood absence, susceptibility to, 5. Identifiers: Orphanet 64280, MedGen C2677087, MONDO:0012843, OMIM 612269.

Submission:

Labcorp Genetics (formerly Invitae), Labcorp
Classification: Uncertain significance for Epilepsy, childhood absence, susceptibility to, 5; Epilepsy, childhood absence, susceptibility to, 1. Last evaluated: 2023-06-18. Review status: criteria provided, single submitter. Criteria: Invitae Variant Classification Sherloc (09022015). Collection method: clinical testing. Allele origin: germline.
Comment: In summary, the available evidence is currently insufficient to determine the role of this variant in disease. Therefore, it has been classified as a Variant of Uncertain Significance. Algorithms developed to predict the effect of sequence changes on RNA splicing suggest that this variant may disrupt the consensus splice site. This variant has not been reported in the literature in individuals affected with GABRB3-related conditions. This variant is not present in population databases (gnomAD no frequency). This sequence change falls in intron 4 of the GABRB3 gene. It does not directly change the encoded amino acid sequence of the GABRB3 protein.